The following is an entry in ClinVar:

NM_203447.4(DOCK8):c.4626+76A>G

Gene: DOCK8 (dedicator of cytokinesis 8; plus strand). Cytogenetic location: 9p24.3.
Variant type: single nucleotide variant.
Coding change: c.4626+76A>G on transcript NM_203447.4 (MANE Select); 76 bases into the intron after coding-DNA position 4626, A replaced by G.
Molecular consequence: intron variant.
Genome position (GRCh38, 1-based): chr9:429,930, A>G. VCF-style: chr9-429930-A-G. GRCh37 (hg19) VCF-style: chr9-429930-A-G.
Other names: c.4422+76A>G (NM_001193536.2); c.4326+76A>G (NM_001190458.2).
Identifiers: ClinVar variation 2054020 (VCV002054020.4), dbSNP rs2537335758, ClinGen allele CA2580080172.

ClinVar aggregate classification (germline): Likely pathogenic (1 of 4 stars; one submission).

Conditions:
Combined immunodeficiency due to DOCK8 deficiency (HIES2). Also called: HIES autosomal recessive; HYPER-IgE SYNDROME 2, AUTOSOMAL RECESSIVE, WITH RECURRENT INFECTIONS; Hyper-IgE recurrent infection syndrome, autosomal recessive; DOCK8 Deficiency; HYPER-IgE RECURRENT INFECTION SYNDROME 2, AUTOSOMAL RECESSIVE. Identifiers: Orphanet 217390, MedGen C4722305, MONDO:0009478, OMIM 243700.

Allele frequency attached by ClinVar (database versions not stated): gnomAD exomes below 0.00001.
gnomAD v4.1: 1 of 1,568,328 alleles (0.000064%); highest among the groups gnomAD compares: Non-Finnish European, 0.000087%; no homozygotes.

Submission:

Labcorp Genetics (formerly Invitae), Labcorp
Classification: Likely pathogenic for Combined immunodeficiency due to DOCK8 deficiency. Last evaluated: 2022-03-14. Review status: criteria provided, single submitter. Criteria: Invitae Variant Classification Sherloc (09022015). Collection method: clinical testing. Allele origin: germline.
Comment: In summary, the currently available evidence indicates that the variant is pathogenic, but additional data are needed to prove that conclusively. Therefore, this variant has been classified as Likely Pathogenic. Studies have shown that this variant alters mRNA splicing and is expected to lead to the loss of protein expression (PMID: 30425284). This variant has been observed in individuals with Hyper IgE syndrome (PMID: 30425284; Invitae). It has also been observed to segregate with disease in related individuals. This variant is not present in population databases (gnomAD no frequency). This sequence change falls in intron 36 of the DOCK8 gene. It does not directly change the encoded amino acid sequence of the DOCK8 protein.

Literature cited by the submitters: PubMed 30425284.